The following is an entry in ClinVar:

NM_000257.4(MYH7):c.4246A>G (p.Lys1416Glu)

Gene: MYH7 (myosin heavy chain 7; minus strand). Cytogenetic location: 14q11.2.
Variant type: single nucleotide variant.
Coding change: c.4246A>G on transcript NM_000257.4 (MANE Select); coding-DNA position 4246, A replaced by G.
Protein change: p.Lys1416Glu; replaces lysine 1416 with glutamic acid.
Molecular consequence: missense variant.
Genome position (GRCh38, 1-based): chr14:23,417,610, T>C on the plus strand (A>G on the coding strand, the complement: MYH7 is on the minus strand). VCF-style: chr14-23417610-T-C. GRCh37 (hg19) VCF-style: chr14-23886819-T-C.
Other names: short protein forms K1416E.
Identifiers: ClinVar variation 925462 (VCV000925462.5), dbSNP rs753682085, ClinGen allele CA041397.

ClinVar aggregate classification (germline): Uncertain significance. Review status: criteria provided, multiple submitters, no conflicts (2 of 4 stars). 2 submissions from 2 submitters: Uncertain significance (2). Last evaluated 2025-10-23.

Conditions:
Cardiomyopathy (CMYO). Also called: Cardiomyopathies. Identifiers: Orphanet 167848, MedGen C0878544, MONDO:0004994, HP:0001638. Inheritance: Various modes of inheritance.
Hypertrophic cardiomyopathy. Also called: HYPERTROPHIC MYOCARDIOPATHY. Identifiers: Orphanet 217569, MedGen C0007194, MeSH D002312, MONDO:0005045, HP:0001639.

Allele frequency attached by ClinVar (database versions not stated): gnomAD exomes below 0.00001; ExAC 0.00001.

Submissions (2):

Labcorp Genetics (formerly Invitae), Labcorp
Classification: Uncertain significance for Hypertrophic cardiomyopathy. Last evaluated: 2025-10-23. Review status: criteria provided, single submitter. Criteria: Invitae Variant Classification Sherloc (09022015). Collection method: clinical testing. Allele origin: germline.
Comment: This sequence change replaces lysine, which is basic and polar, with glutamic acid, which is acidic and polar, at codon 1416 of the MYH7 protein (p.Lys1416Glu). This variant is present in population databases (rs753682085, gnomAD 0.0009%). This variant has not been reported in the literature in individuals affected with MYH7-related conditions. ClinVar contains an entry for this variant (Variation ID: 925462). Invitae Evidence Modeling of protein sequence and biophysical properties (such as structural, functional, and spatial information, amino acid conservation, physicochemical variation, residue mobility, and thermodynamic stability) indicates that this missense variant is expected to disrupt MYH7 protein function with a positive predictive value of 95%. In summary, the available evidence is currently insufficient to determine the role of this variant in disease. Therefore, it has been classified as a Variant of Uncertain Significance.

Color Diagnostics, LLC DBA Color Health
Classification: Uncertain significance for Cardiomyopathy. Last evaluated: 2018-12-05. Review status: criteria provided, single submitter. Criteria: ACMG Guidelines, 2015. Collection method: clinical testing. Allele origin: germline.
Comment: Variant of Uncertain Significance due to insufficient evidence: This missense variant is located in the LMM domain of the MYH7 protein, a C-terminal tail region that forms the thick filament backbone and interacts with other proteins. Computational prediction tools and conservation analyses suggest that this variant may have deleterious impact on the protein function. Computational splicing tools suggest that this variant may not impact RNA splicing. To our knowledge, functional assays have not been performed for this variant nor has this variant been reported in individuals affected with cardiovascular disorders in the literature. This variant has been identified in 1/246260 chromosomes in the general population by the Genome Aggregation Database (gnomAD). Available evidence is insufficient to determine the pathogenicity of this variant conclusively.